The following is an entry in ClinVar:

NM_001349884.2(DRAM2):c.92dup (p.Thr32fs)

Gene: DRAM2 (DNA damage regulated autophagy modulator 2; minus strand). Cytogenetic location: 1p13.3.
Variant type: Duplication.
Coding change: c.92dup on transcript NM_001349884.2 (MANE Select); coding-DNA position 92, one base duplicated (T; older notation c.92dupT).
Protein change: p.Thr32fs; shifts the reading frame from threonine 32.
Molecular consequence: frameshift variant. On other transcripts: 5 prime UTR variant (8), non-coding transcript variant (8).
Genome position (GRCh38, 1-based): chr1:111,131,463, A duplicated on the plus strand (T on the coding strand, the reverse complement: DRAM2 is on the minus strand). VCF-style (leftmost placement, unchanged base first): chr1-111131462-T-TA. GRCh37 (hg19) VCF-style: chr1-111674084-T-TA.
Other names: c.92dup, p.Thr32fs (NM_001349882.2, NM_001349885.2, NM_178454.6 and 1 more transcripts); c.-67dup (NM_001349886.2, NM_001349887.2, NM_001349888.2); c.-159dup (NM_001349889.2, NM_001349890.2, NM_001349892.2 and 1 more transcripts); c.-327dup (NM_001349891.2); short protein forms T32fs.
Identifiers: ClinVar variation 1074281 (VCV001074281.7), dbSNP rs763255666, ClinGen allele CA1001958.

ClinVar aggregate classification (germline): Pathogenic (1 of 4 stars; one submission).

Allele frequency attached by ClinVar (database versions not stated): gnomAD exomes below 0.00001 and 0.00001; TOPMed below 0.00001; gnomAD 0.00001; ExAC 0.00002; ESP Exome Variant Server 0.00008.

Submission:

Labcorp Genetics (formerly Invitae), Labcorp
Classification: Pathogenic. Last evaluated: 2017-09-25. Review status: criteria provided, single submitter. Criteria: Invitae Variant Classification Sherloc (09022015). Collection method: clinical testing. Allele origin: germline.
Comment: For these reasons, this variant has been classified as Pathogenic. Loss-of-function variants in DRAM2 are known to be pathogenic (PMID: 25983245). This variant has not been reported in the literature in individuals with DRAM2-related disease. This variant is present in population databases (rs763255666, ExAC 0.006%). This sequence change creates a premature translational stop signal (p.Thr32Asnfs*14) in the DRAM2 gene. It is expected to result in an absent or disrupted protein product.

Literature cited by the submitters: PubMed 25983245.